The following is an entry in ClinVar:

ClinVar aggregate classification (germline): Uncertain significance (1 of 4 stars; one submission).

gnomAD v4.1: 2 of 1,610,496 alleles (0.00012%); highest among the groups gnomAD compares: Non-Finnish European, 0.00017%; no homozygotes.

Submission:

Labcorp Genetics (formerly Invitae), Labcorp
Classification: Uncertain significance. Last evaluated: 2025-06-16. Review status: criteria provided, single submitter. Criteria: Invitae Variant Classification Sherloc (09022015). Collection method: clinical testing. Allele origin: germline.
Comment: This sequence change replaces arginine, which is basic and polar, with serine, which is neutral and polar, at codon 160 of the ETV6 protein (p.Arg160Ser). This variant is present in population databases (no rsID available, gnomAD 0.0009%). This variant has not been reported in the literature in individuals affected with ETV6-related conditions. Invitae Evidence Modeling of protein sequence and biophysical properties (such as structural, functional, and spatial information, amino acid conservation, physicochemical variation, residue mobility, and thermodynamic stability) indicates that this missense variant is not expected to disrupt ETV6 protein function with a negative predictive value of 80%. In summary, the available evidence is currently insufficient to determine the role of this variant in disease. Therefore, it has been classified as a Variant of Uncertain Significance.

NM_001987.5(ETV6):c.480G>C (p.Arg160Ser)

Gene: ETV6 (ETS variant transcription factor 6; plus strand). Cytogenetic location: 12p13.2.
Variant type: single nucleotide variant.
Coding change: c.480G>C on transcript NM_001987.5 (MANE Select); coding-DNA position 480, G replaced by C.
Protein change: p.Arg160Ser; replaces arginine 160 with serine.
Molecular consequence: missense variant.
Genome position (GRCh38, 1-based): chr12:11,869,440, G>C. VCF-style: chr12-11869440-G-C. GRCh37 (hg19) VCF-style: chr12-12022374-G-C.
Other names: c.453G>C, p.Arg151Ser (NM_001413914.1); c.216G>C, p.Arg72Ser (NM_001413915.1); c.480G>C, p.Arg160Ser (NM_001413916.1, NM_001413917.1); c.477G>C, p.Arg159Ser (NM_001413913.1); short protein forms R159S, R151S, R160S, R72S.
Identifiers: ClinVar variation 4768410 (VCV004768410.1).
Genomic context (GRCh38, chr12:11,869,440, plus strand): 5'-CCAACTCACTGGGGTCTGTGATTGTCTTTCCCTCTGCTCCACAGATAACTGTGTCCAGAG[G>C]ACCCCCAGGCCATCCGTGGATAATGTGCACCATAACCCTCCCACCATTGAACTGTTGCAC-3'
Protein context (NP_001978.1, residues 150-170): QNHEEDNCVQ[Arg160Ser]TPRPSVDNVH